The following is an entry in ClinVar:

NM_000297.4(PKD2):c.1094C>T (p.Ala365Val)

Gene: PKD2 (polycystin 2, transient receptor potential cation channel; plus strand). Cytogenetic location: 4q22.1.
Variant type: single nucleotide variant.
Coding change: c.1094C>T on transcript NM_000297.4 (MANE Select); coding-DNA position 1094, C replaced by T.
Protein change: p.Ala365Val; replaces alanine 365 with valine.
Molecular consequence: missense variant. On other transcripts: non-coding transcript variant (1).
Genome position (GRCh38, 1-based): chr4:88,038,501, C>T. VCF-style: chr4-88038501-C-T. GRCh37 (hg19) VCF-style: chr4-88959653-C-T.
Other names: short protein forms A365V.
Identifiers: ClinVar variation 3368259 (VCV003368259.3).

ClinVar aggregate classification (germline): Uncertain significance. Review status: criteria provided, multiple submitters, no conflicts (2 of 4 stars). 2 submissions from 2 submitters: Uncertain significance (2). Last evaluated 2024-01-29.

Conditions:
Polycystic kidney disease 2 (PKD2). Also called: Polycystic Kidney Disease 2, Autosomal Dominant; POLYCYSTIC KIDNEY DISEASE, ADULT, TYPE II; POLYCYSTIC KIDNEY DISEASE 2 WITH OR WITHOUT POLYCYSTIC LIVER DISEASE. Identifiers: MedGen C2751306, MONDO:0013131, OMIM 613095.

gnomAD v4.1: 2 of 1,613,802 alleles (0.00012%); highest among the groups gnomAD compares: Non-Finnish European, 0.00017%; no homozygotes.

Submissions (2):

GeneDx
Classification: Uncertain significance. Last evaluated: 2024-01-29. Review status: criteria provided, single submitter. Criteria: GeneDx Variant Classification Process June 2021. Collection method: clinical testing. Allele origin: germline. Affected: yes.
Comment: Not observed at significant frequency in large population cohorts (gnomAD); In silico analysis supports that this missense variant has a deleterious effect on protein structure/function; Has not been previously published as pathogenic or benign to our knowledge

Juno Genomics, Hangzhou Juno Genomics, Inc
Classification: Uncertain significance for Polycystic kidney disease 2. Review status: criteria provided, single submitter. Criteria: ACMG Guidelines, 2015. Collection method: clinical testing. Allele origin: germline.
Comment: Absent from controls (or at extremely low frequency if recessive) in Genome Aggregation Database.